The following is an entry in ClinVar:

NM_014009.4(FOXP3):c.816+7G>C

Gene: FOXP3 (forkhead box P3; minus strand). Cytogenetic location: Xp11.23.
Variant type: single nucleotide variant.
Coding change: c.816+7G>C on transcript NM_014009.4 (MANE Select); 7 bases into the intron after coding-DNA position 816, G replaced by C.
Molecular consequence: intron variant.
Genome position (GRCh38, 1-based): chrX:49,255,422, C>G on the plus strand (G>C on the coding strand, the complement: FOXP3 is on the minus strand). VCF-style: chrX-49255422-C-G. GRCh37 (hg19) VCF-style: chrX-49111883-C-G.
Other names: c.711+7G>C (NM_001114377.2).
Identifiers: ClinVar variation 4710758 (VCV004710758.1).

ClinVar aggregate classification (germline): Pathogenic (1 of 4 stars; one submission).

Conditions:
Insulin-dependent diabetes mellitus secretory diarrhea syndrome (IPEX). Also called: IMMUNODEFICIENCY, POLYENDOCRINOPATHY, AND ENTEROPATHY, X-LINKED; X-Linked Autoimmunity-Allergic Dysregulation Syndrome; Immune dysregulation-polyendocrinopathy-enteropathy-X-linked syndrome; IPEX and IPEX-Like; DIABETES MELLITUS, CONGENITAL INSULIN-DEPENDENT, WITH FATAL SECRETORY DIARRHEA; DIARRHEA, POLYENDOCRINOPATHY, FATAL INFECTION SYNDROME, X-LINKED. Identifiers: Orphanet 37042, MedGen C0342288, MONDO:0010580, OMIM 304790. Disease mechanism: loss of function.

Submission:

Labcorp Genetics (formerly Invitae), Labcorp
Classification: Pathogenic for Insulin-dependent diabetes mellitus secretory diarrhea syndrome. Last evaluated: 2025-10-18. Review status: criteria provided, single submitter. Criteria: Invitae Variant Classification Sherloc (09022015). Collection method: clinical testing. Allele origin: germline.
Comment: This sequence change falls in intron 8 of the FOXP3 gene. It does not directly change the encoded amino acid sequence of the FOXP3 protein. RNA analysis indicates that this variant induces altered splicing and may result in an absent or altered protein product. This variant is not present in population databases (gnomAD no frequency). This variant has been observed in individuals with immunodysregulation, polyendocrinopathy, and enteropathy syndrome (IPEX) (PMID: 20643476, 20650610). Studies have shown that this variant results in skipping of exon 7, and produces a non-functional protein and/or introduces a premature termination codon (PMID: 20643476, 20842625). For these reasons, this variant has been classified as Pathogenic.

Literature cited by the submitters: PubMed 20643476; PubMed 20650610; PubMed 20842625.